The following is an entry in ClinVar:

ClinVar aggregate classification (germline): Conflicting classifications of pathogenicity. Review status: criteria provided, conflicting classifications (1 of 4 stars). 5 submissions from 5 submitters: Uncertain significance (3); Likely benign (2). Last evaluated 2025-10-21.

Conditions:
Hereditary nonpolyposis colorectal neoplasms. Identifiers: MedGen C0009405, MeSH D003123.
Hereditary cancer-predisposing syndrome. Also called: Neoplastic Syndromes, Hereditary; Tumor predisposition; Hereditary Cancer Syndrome; Hereditary neoplastic syndrome. Identifiers: Orphanet 140162, MedGen C0027672, MeSH D009386, MONDO:0015356.
Lynch syndrome. Identifiers: Orphanet 144, MedGen C4552100, MONDO:0005835. Disease mechanism: loss of function.

Submissions (5):

Labcorp Genetics (formerly Invitae), Labcorp
Classification: Likely benign for Hereditary nonpolyposis colorectal neoplasms. Last evaluated: 2025-10-21. Review status: criteria provided, single submitter. Criteria: Invitae Variant Classification Sherloc (09022015). Collection method: clinical testing. Allele origin: germline.

Women's Health and Genetics/Laboratory Corporation of America, LabCorp
Classification: Uncertain significance. Last evaluated: 2025-04-28. Review status: criteria provided, single submitter. Criteria: LabCorp Variant Classification Summary - May 2015. Collection method: clinical testing. Allele origin: germline.
Comment: Variant summary: MSH6 c.3802-6_3802-4delCTT alters a nucleotide located at a position not widely known to affect splicing. Several computational tools predict a significant impact on normal splicing: Three predict the variant weakens a 3' acceptor site. One predict the variant no significant impact on splicing. However, these predictions have yet to be confirmed by functional studies. The variant allele was found at a frequency of 6.2e-07 in 1614076 control chromosomes. The available data on variant occurrences in the general population are insufficient to allow any conclusion about variant significance. To our knowledge, no occurrence of c.3802-6_3802-4delCTT in individuals affected with Hereditary Nonpolyposis Colorectal Cancer and no experimental evidence demonstrating its impact on protein function have been reported. ClinVar contains an entry for this variant (Variation ID: 141679). Based on the evidence outlined above, the variant was classified as uncertain significance.

All of Us Research Program, National Institutes of Health
Classification: Uncertain significance for Lynch syndrome. Last evaluated: 2024-05-30. Review status: criteria provided, single submitter. Criteria: ACMG Guidelines, 2015. Collection method: clinical testing. Allele origin: germline. Inheritance: Autosomal dominant inheritance. Observed: 2 variant alleles, 2 heterozygotes.
Comment: This variant causes a deletion of nucleotides CTT in intron 8 of the MSH6 gene. Splice site prediction tools are inconclusive regarding the impact of this variant on RNA splicing. To our knowledge, functional studies have not been reported for this variant. This variant has not been reported in individuals affected with MSH6-related disorders in the literature. This variant has been identified in 1/250980 chromosomes in the general population by the Genome Aggregation Database (gnomAD). The available evidence is insufficient to determine the role of this variant in disease conclusively. Therefore, this variant is classified as a Variant of Uncertain Significance.

This study involves interpretation of variants in research participants for the purpose of population health screening. Participant phenotype was not available at the time of variant classification. Additional details can be found in publication PMID: 35346344, PMCID: PMC8962531

Quest Diagnostics Nichols Institute San Juan Capistrano
Classification: Uncertain significance. Last evaluated: 2024-04-23. Review status: criteria provided, single submitter. Criteria: Quest Diagnostics criteria. Collection method: clinical testing. Allele origin: unknown.
Comment: The MSH6 c.3802-6_3802-4del variant has not been reported in individuals with MSH6-related conditions in the published literature. The frequency of this variant in the general population, 0.000004 (1/250980 chromosomes (Genome Aggregation Database)), is uninformative in the assessment of its pathogenicity. Analysis of this variant using software algorithms for the prediction of the effect of nucleotide changes on MSH6 mRNA splicing yielded inconclusive findings. Based on the available information, we are unable to determine the clinical significance of this variant.

Ambry Genetics
Classification: Likely benign for Hereditary cancer-predisposing syndrome. Last evaluated: 2020-02-05. Review status: criteria provided, single submitter. Criteria: Ambry Variant Classification Scheme 2023. Collection method: clinical testing. Allele origin: germline.

NM_000179.3(MSH6):c.3802-6_3802-4del

Gene: MSH6 (mutS homolog 6; plus strand). Cytogenetic location: 2p16.3.
Variant type: Deletion.
Coding change: c.3802-6_3802-4del on transcript NM_000179.3 (MANE Select); 6 bases into the intron before coding-DNA position 3802 through 4 bases into the intron before coding-DNA position 3802, 3 bases deleted (CTT; older notation c.3802-6_3802-4delCTT).
Molecular consequence: intron variant.
Genome position (GRCh38, 1-based): chr2:47,806,446-47,806,448, CTT deleted; deleting any 3 consecutive bases within chr2:47,806,444-47,806,448 gives the same sequence; the c. name uses the placement nearest the transcript's 3' end. VCF-style (leftmost placement, unchanged base first): chr2-47806443-TTTC-T. GRCh37 (hg19) VCF-style: chr2-48033582-TTTC-T.
Other names: c.2896-6_2896-4del (NM_001281493.2, NM_001281494.2); c.3412-6_3412-4del (NM_001281492.2); c.3802-6_3802-4delCTT (NM_000179.2, NM_000179.3).
Identifiers: ClinVar variation 141679 (VCV000141679.22), dbSNP rs587781932, ClinGen allele CA014403.
Genomic context (GRCh38, chr2:47,806,443, plus strand): 5'-CAAATTCGGTTTTTTGAGAGGGCACTTCTCTTGCTAGCACATGTATCGCTAATATTTTTC[TTTC>T]TTAAGGCATGCATGGTAGAAAATGAATGTGAAGACCCCAGCCAGGAGACTATTACGTTCC-3'